The following is an entry in ClinVar:

ClinVar aggregate classification (germline): Uncertain significance (1 of 4 stars; one submission).

Submission:

Labcorp Genetics (formerly Invitae), Labcorp
Classification: Uncertain significance. Last evaluated: 2025-03-31. Review status: criteria provided, single submitter. Criteria: Invitae Variant Classification Sherloc (09022015). Collection method: clinical testing. Allele origin: germline.
Comment: This sequence change replaces arginine, which is basic and polar, with cysteine, which is neutral and slightly polar, at codon 277 of the PIGB protein (p.Arg277Cys). The frequency data for this variant in the population databases is considered unreliable, as metrics indicate poor data quality at this position in the gnomAD database. This variant has not been reported in the literature in individuals affected with PIGB-related conditions. Invitae Evidence Modeling of protein sequence and biophysical properties (such as structural, functional, and spatial information, amino acid conservation, physicochemical variation, residue mobility, and thermodynamic stability) indicates that this missense variant is not expected to disrupt PIGB protein function with a negative predictive value of 80%. Algorithms developed to predict the effect of sequence changes on RNA splicing suggest that this variant may disrupt the consensus splice site. In summary, the available evidence is currently insufficient to determine the role of this variant in disease. Therefore, it has been classified as a Variant of Uncertain Significance.

NM_004855.5(PIGB):c.829C>T (p.Arg277Cys)

Gene: PIGB (phosphatidylinositol glycan anchor biosynthesis class B; plus strand). Cytogenetic location: 15q21.3.
Variant type: single nucleotide variant.
Coding change: c.829C>T on transcript NM_004855.5 (MANE Select); coding-DNA position 829, C replaced by T.
Protein change: p.Arg277Cys; replaces arginine 277 with cysteine.
Molecular consequence: missense variant.
Genome position (GRCh38, 1-based): chr15:55,339,301, C>T. VCF-style: chr15-55339301-C-T. GRCh37 (hg19) VCF-style: chr15-55631499-C-T.
Other names: short protein forms R277C.
Identifiers: ClinVar variation 4772350 (VCV004772350.1).